The following is an entry in ClinVar:

NM_003000.3(SDHB):c.-13del

Gene: SDHB (succinate dehydrogenase complex iron sulfur subunit B; minus strand). Cytogenetic location: 1p36.13.
Variant type: Deletion.
Coding change: c.-13del on transcript NM_003000.3 (MANE Select); 13 bases upstream of the start codon, one base deleted (G; older notation c.-13delG).
Molecular consequence: 5 prime UTR variant.
Genome position (GRCh38, 1-based): chr1:17,054,032, C deleted on the plus strand (G on the coding strand, the reverse complement: SDHB is on the minus strand). VCF-style (leftmost placement, unchanged base first): chr1-17054031-AC-A. GRCh37 (hg19) VCF-style: chr1-17380526-AC-A.
Other names: c.-13delG (NM_003000.3); c.-13del (NM_001407361.1).
Identifiers: ClinVar variation 3070639 (VCV003070639.2), dbSNP rs780678661, ClinGen allele CA18612464.

ClinVar aggregate classification (germline): Conflicting classifications of pathogenicity. Review status: criteria provided, conflicting classifications (1 of 4 stars). 2 submissions from 2 submitters: Uncertain significance (1); Likely benign (1). Last evaluated 2025-03-04.

Conditions:
Hereditary pheochromocytoma and paraganglioma. Also called: Hereditary pheochromocytoma-paraganglioma; Hereditary Paraganglioma-Pheochromocytoma Syndromes; Hereditary paragangliomas and pheochromocytomas. Identifiers: Orphanet 29072, MedGen C4274332, MONDO:0017366.

Allele frequency attached by ClinVar (database versions not stated): TOPMed below 0.00001; gnomAD exomes 0.00005.

Submissions (2):

Center for Genomic Medicine, Rigshospitalet, Copenhagen University Hospital
Classification: Likely benign. Last evaluated: 2025-03-04. Review status: criteria provided, single submitter. Criteria: ACMG Guidelines, 2015. Collection method: clinical testing. Allele origin: germline.

All of Us Research Program, National Institutes of Health
Classification: Uncertain significance for Hereditary pheochromocytoma and paraganglioma. Last evaluated: 2023-12-13. Review status: criteria provided, single submitter. Criteria: ACMG Guidelines, 2015. Collection method: clinical testing. Allele origin: germline. Inheritance: Autosomal dominant inheritance. Observed: 2 variant alleles, 2 heterozygotes.
Comment: This variant is located in the 5' untranslated region of the SDHB gene. To our knowledge, functional studies have not been reported for this variant. This variant has not been reported in individuals affected with SDHB-related disorders in the literature. This variant has been identified in 6/270294 chromosomes in the general population by the Genome Aggregation Database (gnomAD). The available evidence is insufficient to determine the role of this variant in disease conclusively. Therefore, this variant is classified as a Variant of Uncertain Significance.

This study involves interpretation of variants in research participants for the purpose of population health screening. Participant phenotype was not available at the time of variant classification. Additional details can be found in publication PMID: 35346344, PMCID: PMC8962531